The following is an entry in ClinVar:

NM_001135022.2(ELMOD3):c.406C>T (p.Arg136Ter)

Gene: ELMOD3 (ELMO domain containing 3; plus strand). Cytogenetic location: 2p11.2.
Variant type: single nucleotide variant.
Coding change: c.406C>T on transcript NM_001135022.2 (MANE Select); coding-DNA position 406, C replaced by T.
Protein change: p.Arg136Ter; replaces arginine 136 with a stop codon.
Molecular consequence: nonsense. On other transcripts: non-coding transcript variant (3).
Genome position (GRCh38, 1-based): chr2:85,371,131, C>T. VCF-style: chr2-85371131-C-T. GRCh37 (hg19) VCF-style: chr2-85598254-C-T.
Other names: c.406C>T, p.Arg136Ter (NM_001135021.2, NM_001135023.2, NM_001329791.2 and 2 more transcripts); short protein forms R136*.
Identifiers: ClinVar variation 1471903 (VCV001471903.6), dbSNP rs201052944, ClinGen allele CA1740329.
Genomic context (GRCh38, chr2:85,371,131, plus strand): 5'-CAACTTCTTCCCCAGAAAAGAATCCAGCCAACTATTCGAAGGACTGGGCTCGCCGCCCTC[C>T]GACACTACCTCTTCGGGCCTCCAAAGCTCCACCAGCGCCTTCGGGAAGAAAGGGACTTGG-3'

ClinVar aggregate classification (germline): Uncertain significance (1 of 4 stars; one submission).

Allele frequency attached by ClinVar (database versions not stated): ExAC 0.00002; gnomAD 0.00002 and 0.00003; TOPMed 0.00002; gnomAD exomes 0.00003 and 0.00004.
gnomAD v4.1: 61 of 1,614,120 alleles (0.0038%); highest among the groups gnomAD compares: East Asian, 0.024%; no homozygotes.

Submission:

Labcorp Genetics (formerly Invitae), Labcorp
Classification: Uncertain significance. Last evaluated: 2025-10-07. Review status: criteria provided, single submitter. Criteria: Invitae Variant Classification Sherloc (09022015). Collection method: clinical testing. Allele origin: germline.
Comment: This sequence change creates a premature translational stop signal (p.Arg136*) in the ELMOD3 gene. It is expected to result in an absent or disrupted protein product. However, the current clinical and genetic evidence is not sufficient to establish whether loss-of-function variants in ELMOD3 cause disease. This variant is present in population databases (rs201052944, gnomAD 0.02%). This variant has not been reported in the literature in individuals affected with ELMOD3-related conditions. ClinVar contains an entry for this variant (Variation ID: 1471903). In summary, the available evidence is currently insufficient to determine the role of this variant in disease. Therefore, it has been classified as a Variant of Uncertain Significance.